The following is an entry in ClinVar:

ClinVar aggregate classification (germline): Uncertain significance (1 of 4 stars; one submission).

Submission:

GeneDx
Classification: Uncertain significance. Last evaluated: 2024-05-21. Review status: criteria provided, single submitter. Criteria: GeneDx Variant Classification Process June 2021. Collection method: clinical testing. Allele origin: germline. Affected: yes.
Comment: Not observed at significant frequency in large population cohorts (gnomAD); In silico analysis supports that this missense variant has a deleterious effect on protein structure/function; Has not been previously published as pathogenic or benign to our knowledge

NM_013275.6(ANKRD11):c.7963A>G (p.Asn2655Asp)

Gene: ANKRD11 (ankyrin repeat domain containing 11; minus strand). Cytogenetic location: 16q24.3.
Variant type: single nucleotide variant.
Coding change: c.7963A>G on transcript NM_013275.6 (MANE Select); coding-DNA position 7963, A replaced by G.
Protein change: p.Asn2655Asp; replaces asparagine 2655 with aspartic acid.
Molecular consequence: missense variant.
Genome position (GRCh38, 1-based): chr16:89,268,507, T>C on the plus strand (A>G on the coding strand, the complement: ANKRD11 is on the minus strand). VCF-style: chr16-89268507-T-C. GRCh37 (hg19) VCF-style: chr16-89334915-T-C.
Other names: c.7963A>G, p.Asn2655Asp (NM_001256182.2, NM_001256183.2); short protein forms N2655D.
Identifiers: ClinVar variation 3381633 (VCV003381633.1).